The following is an entry in ClinVar:

NM_001025603.2(RFX5):c.1445C>T (p.Thr482Ile)

Gene: RFX5 (regulatory factor X5; minus strand). Cytogenetic location: 1q21.3.
Variant type: single nucleotide variant.
Coding change: c.1445C>T on transcript NM_001025603.2 (MANE Select); coding-DNA position 1445, C replaced by T.
Protein change: p.Thr482Ile; replaces threonine 482 with isoleucine.
Molecular consequence: missense variant.
Genome position (GRCh38, 1-based): chr1:151,342,592, G>A on the plus strand (C>T on the coding strand, the complement: RFX5 is on the minus strand). VCF-style: chr1-151342592-G-A. GRCh37 (hg19) VCF-style: chr1-151315068-G-A.
Other names: c.1445C>T, p.Thr482Ile (NM_000449.4, NM_001379412.1, NM_001379413.1 and 5 more transcripts); c.1325C>T, p.Thr442Ile (NM_001379419.1, NM_001379420.1); short protein forms T442I, T482I.
Identifiers: ClinVar variation 1352157 (VCV001352157.6), dbSNP rs1245539885, ClinGen allele CA341926245.

ClinVar aggregate classification (germline): Uncertain significance (1 of 4 stars; one submission).

Conditions:
MHC class II deficiency. Also called: Bare lymphocyte syndrome 2; BLS, TYPE II. Identifiers: Orphanet 572, MedGen C5447452, MONDO:0008855.

Allele frequency attached by ClinVar (database versions not stated): TOPMed below 0.00001; gnomAD 0.00001.

Submission:

Labcorp Genetics (formerly Invitae), Labcorp
Classification: Uncertain significance for MHC class II deficiency. Last evaluated: 2021-11-17. Review status: criteria provided, single submitter. Criteria: Invitae Variant Classification Sherloc (09022015). Collection method: clinical testing. Allele origin: germline.
Comment: In summary, the available evidence is currently insufficient to determine the role of this variant in disease. Therefore, it has been classified as a Variant of Uncertain Significance. Algorithms developed to predict the effect of missense changes on protein structure and function (SIFT, PolyPhen-2, Align-GVGD) all suggest that this variant is likely to be tolerated. This sequence change replaces threonine, which is neutral and polar, with isoleucine, which is neutral and non-polar, at codon 482 of the RFX5 protein (p.Thr482Ile). This variant is not present in population databases (gnomAD no frequency). This variant has not been reported in the literature in individuals affected with RFX5-related conditions.